The following is an entry in ClinVar:

NM_015559.3(SETBP1):c.838A>T (p.Asn280Tyr)

Gene: SETBP1 (SET binding protein 1; plus strand). Cytogenetic location: 18q12.3.
Variant type: single nucleotide variant.
Coding change: c.838A>T on transcript NM_015559.3 (MANE Select); coding-DNA position 838, A replaced by T.
Protein change: p.Asn280Tyr; replaces asparagine 280 with tyrosine.
Molecular consequence: missense variant.
Genome position (GRCh38, 1-based): chr18:44,950,178, A>T. VCF-style: chr18-44950178-A-T. GRCh37 (hg19) VCF-style: chr18-42530143-A-T.
Other names: c.838A>T, p.Asn280Tyr (NM_001379141.1, NM_001379142.1, NM_001410862.1); short protein forms N280Y.
Identifiers: ClinVar variation 3631270 (VCV003631270.2).

ClinVar aggregate classification (germline): Uncertain significance (1 of 4 stars; one submission).

Submission:

Labcorp Genetics (formerly Invitae), Labcorp
Classification: Uncertain significance. Last evaluated: 2024-11-30. Review status: criteria provided, single submitter. Criteria: Invitae Variant Classification Sherloc (09022015). Collection method: clinical testing. Allele origin: germline.
Comment: This sequence change replaces asparagine, which is neutral and polar, with tyrosine, which is neutral and polar, at codon 280 of the SETBP1 protein (p.Asn280Tyr). This variant is not present in population databases (gnomAD no frequency). This variant has not been reported in the literature in individuals affected with SETBP1-related conditions. Invitae Evidence Modeling of protein sequence and biophysical properties (such as structural, functional, and spatial information, amino acid conservation, physicochemical variation, residue mobility, and thermodynamic stability) indicates that this missense variant is not expected to disrupt SETBP1 protein function with a negative predictive value of 80%. In summary, the available evidence is currently insufficient to determine the role of this variant in disease. Therefore, it has been classified as a Variant of Uncertain Significance.